The following is an entry in ClinVar:

NM_015072.5(TTLL5):c.1810del (p.Gln604fs)

Gene: TTLL5 (tubulin tyrosine ligase like 5; plus strand). Cytogenetic location: 14q24.3.
Variant type: Deletion.
Coding change: c.1810del on transcript NM_015072.5 (MANE Select); coding-DNA position 1810, one base deleted (C; older notation c.1810delC).
Protein change: p.Gln604fs; shifts the reading frame from glutamine 604.
Molecular consequence: frameshift variant.
Genome position (GRCh38, 1-based): chr14:75,766,163, C deleted; the last of 3 consecutive C bases (chr14:75,766,161-75,766,163); deleting any one gives the same sequence. VCF-style (leftmost placement, unchanged base first): chr14-75766160-TC-T. GRCh37 (hg19) VCF-style: chr14-76232503-TC-T.
Other names: short protein forms Q604fs.
Identifiers: ClinVar variation 860044 (VCV000860044.8), dbSNP rs1890963211, ClinGen allele CA916083388.

ClinVar aggregate classification (germline): Pathogenic (1 of 4 stars; one submission).

Submission:

Labcorp Genetics (formerly Invitae), Labcorp
Classification: Pathogenic. Last evaluated: 2019-12-28. Review status: criteria provided, single submitter. Criteria: Invitae Variant Classification Sherloc (09022015). Collection method: clinical testing. Allele origin: germline.
Comment: This variant is not present in population databases (ExAC no frequency). This sequence change creates a premature translational stop signal (p.Gln604Argfs*19) in the TTLL5 gene. It is expected to result in an absent or disrupted protein product. For these reasons, this variant has been classified as Pathogenic. Loss-of-function variants in TTLL5 are known to be pathogenic (PMID: 24791901, 27162334). This variant has not been reported in the literature in individuals with TTLL5-related conditions.

Literature cited by the submitters: PubMed 24791901; PubMed 27162334.